The following is an entry in ClinVar:

ClinVar aggregate classification (germline): Pathogenic (1 of 4 stars; one submission).

Conditions:
Ciliary dyskinesia, primary, 37 (CILD37). Also called: CILIARY DYSKINESIA, PRIMARY, 37, WITH OR WITHOUT SITUS INVERSUS. Identifiers: MedGen C4539798, MONDO:0033204, OMIM 617577.
Spermatogenic failure 18. Identifiers: MedGen C4539783, MONDO:0054615, OMIM 617576.

gnomAD v4.1: 3 of 1,613,736 alleles (0.00019%); highest among the groups gnomAD compares: African/African-American, 0.004%; no homozygotes.

Submission:

Labcorp Genetics (formerly Invitae), Labcorp
Classification: Pathogenic for Ciliary dyskinesia, primary, 37; Spermatogenic failure 18. Last evaluated: 2025-02-04. Review status: criteria provided, single submitter. Criteria: Invitae Variant Classification Sherloc (09022015). Collection method: clinical testing. Allele origin: germline.
Comment: This sequence change creates a premature translational stop signal (p.Gln4129*) in the DNAH1 gene. It is expected to result in an absent or disrupted protein product. Loss-of-function variants in DNAH1 are known to be pathogenic (PMID: 27573432, 27798045). This variant is present in population databases (rs747184196, gnomAD 0.01%). This variant has not been reported in the literature in individuals affected with DNAH1-related conditions. Algorithms developed to predict the effect of sequence changes on RNA splicing suggest that this variant may disrupt the consensus splice site. For these reasons, this variant has been classified as Pathogenic.

Literature cited by the submitters: PubMed 27573432; PubMed 27798045.

NM_015512.5(DNAH1):c.12385C>T (p.Gln4129Ter)

Gene: DNAH1 (dynein axonemal heavy chain 1; plus strand). Cytogenetic location: 3p21.1.
Variant type: single nucleotide variant.
Coding change: c.12385C>T on transcript NM_015512.5 (MANE Select); coding-DNA position 12385, C replaced by T.
Protein change: p.Gln4129Ter; replaces glutamine 4129 with a stop codon.
Molecular consequence: nonsense.
Genome position (GRCh38, 1-based): chr3:52,399,145, C>T. VCF-style: chr3-52399145-C-T. GRCh37 (hg19) VCF-style: chr3-52433161-C-T.
Other names: short protein forms Q4129*.
Identifiers: ClinVar variation 4788606 (VCV004788606.1).